The following is an entry in ClinVar:

NM_152281.3(GORAB):c.576G>C (p.Leu192Phe)

Gene: GORAB (golgin, RAB6 interacting; plus strand). Cytogenetic location: 1q24.2.
Variant type: single nucleotide variant.
Coding change: c.576G>C on transcript NM_152281.3 (MANE Select); coding-DNA position 576, G replaced by C.
Protein change: p.Leu192Phe; replaces leucine 192 with phenylalanine.
Molecular consequence: missense variant. On other transcripts: non-coding transcript variant (1).
Genome position (GRCh38, 1-based): chr1:170,544,759, G>C. VCF-style: chr1-170544759-G-C. GRCh37 (hg19) VCF-style: chr1-170513900-G-C.
Other names: c.576G>C, p.Leu192Phe (NM_001146039.2); c.111G>C, p.Leu37Phe (NM_001320252.2); short protein forms L192F, L37F.
Identifiers: ClinVar variation 1442401 (VCV001442401.8), dbSNP rs762378708, ClinGen allele CA343164124.

ClinVar aggregate classification (germline): Uncertain significance (1 of 4 stars; one submission).

Submission:

Labcorp Genetics (formerly Invitae), Labcorp
Classification: Uncertain significance. Last evaluated: 2021-06-04. Review status: criteria provided, single submitter. Criteria: Invitae Variant Classification Sherloc (09022015). Collection method: clinical testing. Allele origin: germline.
Comment: In summary, the available evidence is currently insufficient to determine the role of this variant in disease. Therefore, it has been classified as a Variant of Uncertain Significance. This variant is not present in population databases (ExAC no frequency). This sequence change replaces leucine with phenylalanine at codon 217 of the GORAB protein (p.Leu217Phe). The leucine residue is highly conserved and there is a small physicochemical difference between leucine and phenylalanine. Algorithms developed to predict the effect of missense changes on protein structure and function are either unavailable or do not agree on the potential impact of this missense change (SIFT: "Deleterious"; PolyPhen-2: "Probably Damaging"; Align-GVGD: "Class C15"). This variant has not been reported in the literature in individuals with GORAB-related conditions.